The following is an entry in ClinVar:

NM_005732.4(RAD50):c.2086G>C (p.Glu696Gln)

Gene: RAD50 (RAD50 double strand break repair protein; plus strand). Cytogenetic location: 5q31.1.
Variant type: single nucleotide variant.
Coding change: c.2086G>C on transcript NM_005732.4 (MANE Select); coding-DNA position 2086, G replaced by C.
Protein change: p.Glu696Gln; replaces glutamic acid 696 with glutamine.
Molecular consequence: missense variant.
Genome position (GRCh38, 1-based): chr5:132,595,689, G>C. VCF-style: chr5-132595689-G-C. GRCh37 (hg19) VCF-style: chr5-131931381-G-C.
Other names: c.2086G>C (NM_005732.3); short protein forms E696Q.
Identifiers: ClinVar variation 2820360 (VCV002820360.4), dbSNP rs1388500583, ClinGen allele CA360949952.

ClinVar aggregate classification (germline): Uncertain significance. Review status: criteria provided, multiple submitters, no conflicts (2 of 4 stars). 2 submissions from 2 submitters: Uncertain significance (2). Last evaluated 2024-10-27.

Conditions:
Hereditary cancer-predisposing syndrome. Also called: Neoplastic Syndromes, Hereditary; Tumor predisposition; Hereditary Cancer Syndrome; Hereditary neoplastic syndrome. Identifiers: Orphanet 140162, MedGen C0027672, MeSH D009386, MONDO:0015356.

Allele frequency attached by ClinVar (database versions not stated): gnomAD exomes below 0.00001.

Submissions (2):

Ambry Genetics
Classification: Uncertain significance for Hereditary cancer-predisposing syndrome. Last evaluated: 2024-10-27. Review status: criteria provided, single submitter. Criteria: Ambry Variant Classification Scheme 2023. Collection method: clinical testing. Allele origin: germline.
Comment: The p.E696Q variant (also known as c.2086G>C), located in coding exon 13 of the RAD50 gene, results from a G to C substitution at nucleotide position 2086. The glutamic acid at codon 696 is replaced by glutamine, an amino acid with highly similar properties. This amino acid position is conserved. In addition, this alteration is predicted to be tolerated by in silico analysis. Based on the available evidence, the clinical significance of this variant remains unclear.

Labcorp Genetics (formerly Invitae), Labcorp
Classification: Uncertain significance for Hereditary cancer-predisposing syndrome. Last evaluated: 2022-12-12. Review status: criteria provided, single submitter. Criteria: Invitae Variant Classification Sherloc (09022015). Collection method: clinical testing. Allele origin: germline.
Comment: This sequence change replaces glutamic acid, which is acidic and polar, with glutamine, which is neutral and polar, at codon 696 of the RAD50 protein (p.Glu696Gln). This variant is present in population databases (no rsID available, gnomAD 0.0009%). This variant has not been reported in the literature in individuals affected with RAD50-related conditions. Advanced modeling of protein sequence and biophysical properties (such as structural, functional, and spatial information, amino acid conservation, physicochemical variation, residue mobility, and thermodynamic stability) performed at Invitae indicates that this missense variant is not expected to disrupt RAD50 protein function. In summary, the available evidence is currently insufficient to determine the role of this variant in disease. Therefore, it has been classified as a Variant of Uncertain Significance.